The following is an entry in ClinVar:

ClinVar aggregate classification (germline): Likely benign (1 of 4 stars; one submission).

gnomAD v4.1: 2 of 151,968 alleles (0.0013%); highest among the groups gnomAD compares: East Asian, 0.039%; no homozygotes.

Submission:

CeGaT Center for Human Genetics Tuebingen
Classification: Likely benign. Last evaluated: 2025-03-01. Review status: criteria provided, single submitter. Criteria: CeGaT Center For Human Genetics Tuebingen Variant Classification Criteria Version 2. Collection method: clinical testing. Allele origin: germline. Affected: yes. Observed: 1 variant allele.
Comment: PMP22: BP4, BP7

NM_000304.4(PMP22):c.178+5571C>G

Gene: PMP22 (peripheral myelin protein 22; minus strand). Cytogenetic location: 17p12.
Variant type: single nucleotide variant.
Coding change: c.178+5571C>G on transcript NM_000304.4 (MANE Select); 5571 bases into the intron after coding-DNA position 178, C replaced by G.
Molecular consequence: intron variant.
Genome position (GRCh38, 1-based): chr17:15,253,523, G>C on the plus strand (C>G on the coding strand, the complement: PMP22 is on the minus strand). VCF-style: chr17-15253523-G-C. GRCh37 (hg19) VCF-style: chr17-15156840-G-C.
Other names: c.178+5571C>G (NM_001281456.2, NM_153321.3, NM_001281455.2 and 2 more transcripts).
Identifiers: ClinVar variation 3778308 (VCV003778308.7).
Genomic context (GRCh38, chr17:15,253,523, plus strand): 5'-TTCTGATATATTCTGCCTTATAGAGGCTTCTGGACTGTCACTCCAACTTGGAATCAAATG[G>C]ACCACTGAGAAACCCGTGGAAGACAGCAGGTCTAAGGAAATCACAAAGATTAGAAATGCA-3'